The following is an entry in ClinVar:

ClinVar aggregate classification (germline): Likely benign. Review status: criteria provided, multiple submitters, no conflicts (2 of 4 stars). 2 submissions from 2 submitters: Likely benign (2). Last evaluated 2026-08-20.

Conditions:
FAT1-related disorder. Also called: FAT1-related condition.

gnomAD v4.1: 57 of 1,613,956 alleles (0.0035%); highest among the groups gnomAD compares: South Asian, 0.023%; no homozygotes.

Submissions (2):

PreventionGenetics, part of Exact Sciences
Classification: Likely benign for FAT1-related condition. Last evaluated: 2026-08-20. Review status: criteria provided, single submitter. Criteria: ACMG Guidelines, 2015. Collection method: clinical testing. Allele origin: germline.
Comment: This variant is classified as likely benign based on ACMG/AMP sequence variant interpretation guidelines (Richards et al. 2015 PMID: 25741868, with internal and published modifications).

Blueprint Genetics
Classification: Likely benign. Last evaluated: 2024-04-05. Review status: criteria provided, single submitter. Criteria: ACMG Guidelines, 2015. Collection method: clinical testing. Allele origin: germline.

NM_005245.4(FAT1):c.2568C>T (p.His856=)

Gene: FAT1 (FAT atypical cadherin 1; minus strand). Cytogenetic location: 4q35.2.
Variant type: single nucleotide variant.
Coding change: c.2568C>T on transcript NM_005245.4 (MANE Select); coding-DNA position 2568, C replaced by T.
Protein change: p.His856=; no amino-acid change (histidine 856 retained).
Molecular consequence: synonymous variant.
Genome position (GRCh38, 1-based): chr4:186,707,260, G>A on the plus strand (C>T on the coding strand, the complement: FAT1 is on the minus strand). VCF-style: chr4-186707260-G-A. GRCh37 (hg19) VCF-style: chr4-187628414-G-A.
Other names: c.2568C>T, p.His856= (NM_001440455.1, NM_001440456.1, NM_001440457.1); c.2568C>T (NM_005245.3).
Identifiers: ClinVar variation 4969278 (VCV004969278.2).